The following is an entry in ClinVar:

NM_003611.3(OFD1):c.1923G>A (p.Glu641=)

Gene: OFD1 (OFD1 centriole and centriolar satellite protein; plus strand). Cytogenetic location: Xp22.2.
Variant type: single nucleotide variant.
Coding change: c.1923G>A on transcript NM_003611.3 (MANE Select); coding-DNA position 1923, G replaced by A.
Protein change: p.Glu641=; no amino-acid change (glutamic acid 641 retained).
Molecular consequence: synonymous variant.
Genome position (GRCh38, 1-based): chrX:13,760,383, G>A. VCF-style: chrX-13760383-G-A. GRCh37 (hg19) VCF-style: chrX-13778502-G-A.
Other names: p.Glu641=; c.1803G>A, p.Glu601= (NM_001330209.2); c.1503G>A, p.Glu501= (NM_001330210.2).
Identifiers: ClinVar variation 41088 (VCV000041088.38), dbSNP rs145300245, ClinGen allele CA147782.

ClinVar aggregate classification (germline): Benign/Likely benign. Review status: criteria provided, multiple submitters, no conflicts (2 of 4 stars). 14 submissions from 14 submitters: Benign (8); Likely benign (2). 4 of the submissions do not count toward it. Last evaluated 2026-02-01.

Conditions:
Joubert syndrome. Also called: JOUBERT-BOLTSHAUSER SYNDROME; Familial aplasia of the vermis. Identifiers: Orphanet 475, MedGen C5979921, MONDO:0018772.
Orofaciodigital syndrome I (OFD1). Also called: Papillon-Leage and Psaume Syndrome; Oral-Facial-Digital Syndrome Type I; OFDS I. Identifiers: Orphanet 2750, MedGen C1510460, MONDO:0010702, OMIM 311200.
Retinitis pigmentosa 23 (RP23). Identifiers: Orphanet 791, MedGen C1419610, MONDO:0010320, OMIM 300424.
Simpson-Golabi-Behmel syndrome type 2. Identifiers: Orphanet 79022, MedGen C1846175, MONDO:0010265, OMIM 300209.
Joubert syndrome 10 (JBTS10). Identifiers: Orphanet 2754, MedGen C2749019, MONDO:0010431, OMIM 300804.
Primary ciliary dyskinesia. Also called: Ciliary dyskinesia. Identifiers: Orphanet 244, MedGen C0008780, MONDO:0016575, HP:0012265.

Allele frequency attached by ClinVar (database versions not stated): 1000 Genomes Project 0.00132; 1000 Genomes Project 30x 0.00146; gnomAD 0.00276 and 0.00298; TOPMed 0.00276; gnomAD exomes 0.00282 and 0.00478; ExAC 0.00299; ESP Exome Variant Server 0.00464.
gnomAD v4.1: 5,495 of 1,207,779 alleles (0.45%); highest among the groups gnomAD compares: Non-Finnish European, 0.58%; 9 homozygotes.

Submissions (14):

Labcorp Genetics (formerly Invitae), Labcorp
Classification: Benign for Orofaciodigital syndrome I; Joubert syndrome. Last evaluated: 2026-02-01. Review status: criteria provided, single submitter. Criteria: Invitae Variant Classification Sherloc (09022015). Collection method: clinical testing. Allele origin: germline.

Athena Diagnostics
Classification: Benign. Last evaluated: 2025-09-30. Review status: criteria provided, single submitter. Criteria: Athena Diagnostics Criteria. Collection method: clinical testing. Allele origin: unknown.
Comment: The frequency of this variant in the general population is higher than would generally be expected for pathogenic variants in this gene.

Mayo Clinic Laboratories, Mayo Clinic
Classification: Likely benign. Last evaluated: 2025-03-27. Review status: criteria provided, single submitter. Criteria: ACMG Guidelines, 2015. Collection method: clinical testing. Allele origin: germline. Observed: 6 variant alleles.
Comment: BS1, BP4, BP7

Blueprint Genetics
Classification: Benign. Last evaluated: 2024-11-28. Review status: criteria provided, single submitter. Criteria: ACMG Guidelines, 2015. Collection method: clinical testing. Allele origin: germline.

Fulgent Genetics
Classification: Likely benign for Simpson-Golabi-Behmel syndrome type 2; Retinitis pigmentosa 23; Joubert syndrome 10; Orofaciodigital syndrome I. Last evaluated: 2021-08-30. Review status: criteria provided, single submitter. Criteria: ACMG Guidelines, 2015. Collection method: clinical testing. Allele origin: unknown.

GeneDx
Classification: Benign. Last evaluated: 2018-09-20. Review status: criteria provided, single submitter. Criteria: GeneDx Variant Classification Process June 2021. Collection method: clinical testing. Allele origin: germline. Affected: yes.
Comment: This variant is associated with the following publications: (PMID: 18546297)

Ambry Genetics
Classification: Benign for Primary ciliary dyskinesia. Last evaluated: 2017-02-07. Review status: criteria provided, single submitter. Criteria: Ambry Variant Classification Scheme 2023. Collection method: clinical testing. Allele origin: germline.

Genetic Services Laboratory, University of Chicago
Classification: Benign. Last evaluated: 2016-03-18. Review status: criteria provided, single submitter. Criteria: ACMG Guidelines, 2015. Collection method: clinical testing. Allele origin: germline. Affected: no.

Eurofins Ntd Llc (ga)
Classification: Benign. Last evaluated: 2013-10-21. Review status: criteria provided, single submitter. Criteria: EGL Classification Definitions 2015. Collection method: clinical testing. Allele origin: germline. Observed: 2 variant alleles, 2 heterozygotes.

PreventionGenetics, part of Exact Sciences
Classification: Benign. Review status: criteria provided, single submitter. Criteria: ACMG Guidelines, 2015. Collection method: clinical testing. Allele origin: germline.

Clinical Genetics DNA and cytogenetics Diagnostics Lab, Erasmus MC, Erasmus Medical Center
Classification: Likely benign. Review status: no assertion criteria provided. Collection method: clinical testing. Allele origin: germline. Affected: yes. Study: VKGL Data-share Consensus. Not counted in ClinVar's aggregate classification.

Clinical Genetics, Academic Medical Center
Classification: Benign. Review status: no assertion criteria provided. Collection method: clinical testing. Allele origin: germline. Affected: yes. Study: VKGL Data-share Consensus. Not counted in ClinVar's aggregate classification.

Diagnostic Laboratory, Department of Genetics, University Medical Center Groningen
Classification: Likely benign. Review status: no assertion criteria provided. Collection method: clinical testing. Allele origin: germline. Affected: yes. Study: VKGL Data-share Consensus. Not counted in ClinVar's aggregate classification.

Genome Diagnostics Laboratory, University Medical Center Utrecht
Classification: Likely benign. Review status: no assertion criteria provided. Collection method: clinical testing. Allele origin: germline. Affected: yes. Study: VKGL Data-share Consensus. Not counted in ClinVar's aggregate classification.

Literature cited by the submitters: PubMed 18546297 (cited by Athena Diagnostics).